The following is an entry in ClinVar:

ClinVar aggregate classification (germline): Benign/Likely benign. Review status: criteria provided, multiple submitters, no conflicts (2 of 4 stars). 2 submissions from 2 submitters: Benign (1); Likely benign (1). Last evaluated 2025-07-18.

Conditions:
Breast-ovarian cancer, familial, susceptibility to, 2 (BROVCA2). Also called: BRCA2 Hereditary Breast and Ovarian Cancer. Identifiers: Orphanet 145, MedGen C2675520, MONDO:0012933, OMIM 612555. Disease mechanism: loss of function.

Submissions (2):

Dipartimento Di Medicina Di Precisione, Università Degli Studi Della Campania Luigi Vanvitelli
Classification: Benign for Breast-ovarian cancer, familial, susceptibility to, 2. Last evaluated: 2025-07-18. Review status: criteria provided, single submitter. Criteria: ACMG Guidelines, 2015. Collection method: clinical testing. Allele origin: germline. Inheritance: Autosomal dominant inheritance. Affected: yes. Observed: 1 heterozygote.
Comment: The BARD1 c.365-23T>A variant is a novel deep intronic change located 23 nucleotides upstream of exon 4 (in intron 3). In silico splicing prediction tools do not indicate any significant effect on normal splicing. The variant does not alter canonical splice sites nor create cryptic splice sites. It is absent from population databases and clinical reports. Based on these findings and ACMG criteria, the variant is classified as benign.

Center for Genomic Medicine, Rigshospitalet, Copenhagen University Hospital
Classification: Likely benign. Last evaluated: 2025-03-04. Review status: criteria provided, single submitter. Criteria: ACMG Guidelines, 2015. Collection method: clinical testing. Allele origin: germline.

Literature cited by the submitters: DOI 10.3390/ijms26135928 (cited by Dipartimento Di Medicina Di Precisione, Università Degli Studi Della Campania Luigi Vanvitelli).

NM_000465.4(BARD1):c.365-23T>A

Gene: BARD1 (BRCA1 associated RING domain 1; minus strand). Cytogenetic location: 2q35.
Variant type: single nucleotide variant.
Coding change: c.365-23T>A on transcript NM_000465.4 (MANE Select); 23 bases into the intron before coding-DNA position 365, T replaced by A.
Molecular consequence: intron variant.
Genome position (GRCh38, 1-based): chr2:214,781,532, A>T on the plus strand (T>A on the coding strand, the complement: BARD1 is on the minus strand). VCF-style: chr2-214781532-A-T. GRCh37 (hg19) VCF-style: chr2-215646256-A-T.
Other names: c.158+27880T>A (NM_001282548.2); c.308-23T>A (NM_001282543.2); c.215+15529T>A (NM_001282545.2); c.364+10765T>A (NM_001282549.2); c.365-23T>A (NM_000465.2).
Identifiers: ClinVar variation 3256394 (VCV003256394.3).